The following is an entry in ClinVar:

NM_006005.3(WFS1):c.2310C>T (p.Phe770=)

Gene: WFS1 (wolframin ER transmembrane glycoprotein; plus strand). Cytogenetic location: 4p16.1.
Variant type: single nucleotide variant.
Coding change: c.2310C>T on transcript NM_006005.3 (MANE Select); coding-DNA position 2310, C replaced by T.
Protein change: p.Phe770=; no amino-acid change (phenylalanine 770 retained).
Molecular consequence: synonymous variant.
Genome position (GRCh38, 1-based): chr4:6,302,105, C>T. VCF-style: chr4-6302105-C-T. GRCh37 (hg19) VCF-style: chr4-6303832-C-T.
Other names: c.2310C>T, p.Phe770= (NM_001145853.1).
Identifiers: ClinVar variation 383527 (VCV000383527.12), dbSNP rs34384569, ClinGen allele CA2839680.

ClinVar aggregate classification (germline): Likely benign. Review status: criteria provided, multiple submitters, no conflicts (2 of 4 stars). 5 submissions from 5 submitters: Likely benign (5). Last evaluated 2025-09-17.

Conditions:
WFS1-related disorder. Identifiers: MedGen CN379391, MONDO:0700293.
Wolfram syndrome 1 (WFS1). Identifiers: Orphanet 3463, MedGen C4551693, MONDO:0009101, OMIM 222300.

Allele frequency attached by ClinVar (database versions not stated): ExAC 0.00002; gnomAD exomes 0.00002; TOPMed 0.00004; gnomAD 0.00006.
gnomAD v4.1: 37 of 1,612,938 alleles (0.0023%); highest among the groups gnomAD compares: African/African-American, 0.02%; no homozygotes.

Submissions (5):

PreventionGenetics, part of Exact Sciences
Classification: Likely benign for WFS1-related condition. Last evaluated: 2025-09-17. Review status: criteria provided, single submitter. Criteria: ACMG Guidelines, 2015. Collection method: clinical testing. Allele origin: germline.
Comment: This variant is classified as likely benign based on ACMG/AMP sequence variant interpretation guidelines (Richards et al. 2015 PMID: 25741868, with internal and published modifications).

Labcorp Genetics (formerly Invitae), Labcorp
Classification: Likely benign. Last evaluated: 2025-09-03. Review status: criteria provided, single submitter. Criteria: Invitae Variant Classification Sherloc (09022015). Collection method: clinical testing. Allele origin: germline.

Blueprint Genetics
Classification: Likely benign. Last evaluated: 2023-06-08. Review status: criteria provided, single submitter. Criteria: ACMG Guidelines, 2015. Collection method: clinical testing. Allele origin: germline.

GeneDx
Classification: Likely benign. Last evaluated: 2016-03-17. Review status: criteria provided, single submitter. Criteria: GeneDx Variant Classification (06012015). Collection method: clinical testing. Allele origin: germline. Affected: yes.
Comment: This variant is considered likely benign or benign based on one or more of the following criteria: it is a conservative change, it occurs at a poorly conserved position in the protein, it is predicted to be benign by multiple in silico algorithms, and/or has population frequency not consistent with disease.

Clinical Genomics, Uppaluri K&H Personalized Medicine Clinic
Classification: Likely benign for Wolfram syndrome 1. Review status: criteria provided, single submitter. Criteria: K & H Uppaluri Personalized Medicine Clinic Variant Classification & Assertion Criteria_Updated V.1. Collection method: research. Allele origin: unknown. Inheritance: Autosomal recessive inheritance.
Comment: Potent mutations in WFS1 gene are associated with Wolfram's syndrome, an autosomal recessive condition, which cause diabetes mellitus, diabetes insipidus, deafness and optic atrophy. However no sufficient evidence is found to ascertain the role of this particular variant rs34384569 in Wolfram's syndrome yet.

Literature cited by the submitters: PubMed 20738327 (cited by Clinical Genomics, Uppaluri K&H Personalized Medicine Clinic); PubMed 33879153 (cited by Clinical Genomics, Uppaluri K&H Personalized Medicine Clinic); PubMed 12955714 (cited by Clinical Genomics, Uppaluri K&H Personalized Medicine Clinic); PubMed 18060660 (cited by Clinical Genomics, Uppaluri K&H Personalized Medicine Clinic); PubMed 20301750 (cited by Clinical Genomics, Uppaluri K&H Personalized Medicine Clinic); PubMed 17603484 (cited by Clinical Genomics, Uppaluri K&H Personalized Medicine Clinic).